The following is an entry in ClinVar:

ClinVar aggregate classification (germline): Likely benign (1 of 4 stars; one submission).

Allele frequency attached by ClinVar (database versions not stated): gnomAD 0.00001; gnomAD exomes 0.00001; TOPMed 0.00001.
gnomAD v4.1: 11 of 1,612,422 alleles (0.00068%); highest among the groups gnomAD compares: South Asian, 0.0011%; no homozygotes.

Submission:

CeGaT Center for Human Genetics Tuebingen
Classification: Likely benign. Last evaluated: 2022-06-01. Review status: criteria provided, single submitter. Criteria: CeGaT Center For Human Genetics Tuebingen Variant Classification Criteria Version 2. Collection method: clinical testing. Allele origin: germline. Affected: yes. Observed: 1 variant allele.
Comment: PLEC: BP4, BP7

NM_201384.3(PLEC):c.10308C>T (p.Tyr3436=)

Gene: PLEC (plectin; minus strand). Cytogenetic location: 8q24.3.
Variant type: single nucleotide variant.
Coding change: c.10308C>T on transcript NM_201384.3 (MANE Select); coding-DNA position 10308, C replaced by T.
Protein change: p.Tyr3436=; no amino-acid change (tyrosine 3436 retained).
Molecular consequence: synonymous variant.
Genome position (GRCh38, 1-based): chr8:143,919,513, G>A on the plus strand (C>T on the coding strand, the complement: PLEC is on the minus strand). VCF-style: chr8-143919513-G-A. GRCh37 (hg19) VCF-style: chr8-144993681-G-A.
Other names: c.10389C>T, p.Tyr3463= (NM_000445.5); c.7008C>T, p.Tyr2336= (NM_001410941.1); c.10266C>T, p.Tyr3422= (NM_201378.4); c.10242C>T, p.Tyr3414= (NM_201379.3); c.10719C>T, p.Tyr3573= (NM_201380.4); c.10212C>T, p.Tyr3404= (NM_201381.3); c.10308C>T, p.Tyr3436= (NM_201382.4); c.10320C>T, p.Tyr3440= (NM_201383.3).
Identifiers: ClinVar variation 2658942 (VCV002658942.24), dbSNP rs988628519, ClinGen allele CA187609138.
Genomic context (GRCh38, chr8:143,919,513, plus strand): 5'-AACCAGGCCCTTCTGCATGGCCTGGAAGAGGGAGATGGTGCTGCCCGAGTAGGGGTCTCT[G>A]TAGCCGGTGACGGCCTTCTCGGCAGACAGCAGCTGCTCGTGAAGCTCGGGGCCCACCACG-3'
Protein context (NP_958786.1, residues 3426-3446): LLSAEKAVTG[Tyr3436=]RDPYSGSTIS